The following is an entry in ClinVar:

NM_001349798.2(FBXW7):c.1076A>G (p.His359Arg)

Gene: FBXW7 (F-box and WD repeat domain containing 7; minus strand). Cytogenetic location: 4q31.3.
Variant type: single nucleotide variant.
Coding change: c.1076A>G on transcript NM_001349798.2 (MANE Select); coding-DNA position 1076, A replaced by G.
Protein change: p.His359Arg; replaces histidine 359 with arginine.
Molecular consequence: missense variant.
Genome position (GRCh38, 1-based): chr4:152,330,778, T>C on the plus strand (A>G on the coding strand, the complement: FBXW7 is on the minus strand). VCF-style: chr4-152330778-T-C. GRCh37 (hg19) VCF-style: chr4-153251930-T-C.
Other names: c.722A>G, p.His241Arg (NM_001013415.2); c.836A>G, p.His279Arg (NM_018315.5); c.1076A>G, p.His359Arg (NM_033632.3); short protein forms H241R, H279R, H359R.
Identifiers: ClinVar variation 2629379 (VCV002629379.3), dbSNP rs1014611334, ClinGen allele CA108586893.
Genomic context (GRCh38, chr4:152,330,778, plus strand): 5'-CAGAGTTCAGTTACCTTAGGAGATTTGAGTTCTCCTCGCCTCCAGTTAGTATCAATTCTG[T>C]GCTGTCTGATGTATGCACTTTTCCATGGACTGTGTATGAAACCTGGTTTTATTACTTTTC-3'
Protein context (NP_001336727.1, residues 349-369): SPWKSAYIRQ[His359Arg]RIDTNWRRGE

ClinVar aggregate classification (germline): Uncertain significance. Review status: criteria provided, multiple submitters, no conflicts (2 of 4 stars). 2 submissions from 2 submitters: Uncertain significance (2). Last evaluated 2024-02-16.

Conditions:
FBXW7-related disorder. Also called: FBXW7-related condition; FBXW7-related disorders.

Allele frequency attached by ClinVar (database versions not stated): gnomAD exomes below 0.00001; gnomAD 0.00001; TOPMed 0.00001.
gnomAD v4.1: 3 of 1,612,626 alleles (0.00019%); highest among the groups gnomAD compares: Non-Finnish European, 0.00025%; no homozygotes.

Submissions (2):

Labcorp Genetics (formerly Invitae), Labcorp
Classification: Uncertain significance. Last evaluated: 2024-02-16. Review status: criteria provided, single submitter. Criteria: Invitae Variant Classification Sherloc (09022015). Collection method: clinical testing. Allele origin: germline.
Comment: This sequence change replaces histidine, which is basic and polar, with arginine, which is basic and polar, at codon 359 of the FBXW7 protein (p.His359Arg). This variant is present in population databases (no rsID available, gnomAD 0.007%). This variant has not been reported in the literature in individuals affected with FBXW7-related conditions. ClinVar contains an entry for this variant (Variation ID: 2629379). An algorithm developed to predict the effect of missense changes on protein structure and function (PolyPhen-2) suggests that this variant is likely to be tolerated. In summary, the available evidence is currently insufficient to determine the role of this variant in disease. Therefore, it has been classified as a Variant of Uncertain Significance.

PreventionGenetics, part of Exact Sciences
Classification: Uncertain significance for FBXW7-related condition. Last evaluated: 2023-05-12. Review status: criteria provided, single submitter. Criteria: ACMG Guidelines, 2015. Collection method: clinical testing. Allele origin: germline.
Comment: The FBXW7 c.1076A>G variant is predicted to result in the amino acid substitution p.His359Arg. To our knowledge, this variant has not been reported in the literature. This variant is reported in 0.0065% of alleles in individuals of European (Non-Finnish) descent in gnomAD. At this time, the clinical significance of this variant is uncertain due to the absence of conclusive functional and genetic evidence.